The following is an entry in ClinVar:

NM_005045.4(RELN):c.*67G>A

Genes: RELN (reelin; minus strand), SLC26A5-AS1 (SLC26A5 antisense RNA 1; plus strand). Cytogenetic location: 7q22.1.
Variant type: single nucleotide variant.
Coding change: c.*67G>A on transcript NM_005045.4 (MANE Select); 67 bases downstream of the stop codon, G replaced by A.
Molecular consequence: 3 prime UTR variant.
Genome position (GRCh38, 1-based): chr7:103,472,745, C>T on the plus strand (G>A on the coding strand, the complement: RELN is on the minus strand). VCF-style: chr7-103472745-C-T. GRCh37 (hg19) VCF-style: chr7-103113192-C-T.
Other names: c.*67G>A (NM_173054.3).
Identifiers: ClinVar variation 358373 (VCV000358373.7), dbSNP rs112874175, ClinGen allele CA10622867.
Genomic context (GRCh38, chr7:103,472,745, plus strand): 5'-GAAGGGCTTTCAGGTAATCACCAAGTCCTTCACAGATATTTCCTGATATCAGATGTAGTG[C>T]GAGATTTAAAAGAATGGAGAGCAACACATCACATGTTGGAAGAAAAAAAATAAACTTTTT-3'

ClinVar aggregate classification (germline): Benign. Review status: criteria provided, multiple submitters, no conflicts (2 of 4 stars). 3 submissions from 3 submitters: Benign (3). Last evaluated 2018-07-27.

Conditions:
Norman-Roberts syndrome (LIS2). Also called: Lissencephaly 2 (Norman-Roberts type). Identifiers: Orphanet 89844, MedGen C0796089, MONDO:0009760, OMIM 257320.

Allele frequency attached by ClinVar (database versions not stated): gnomAD 0.02226 and 0.02333; 1000 Genomes Project 0.02356; TOPMed 0.02454; 1000 Genomes Project 30x 0.02530.
gnomAD v4.1: 15,549 of 1,245,096 alleles (1.2%); highest among the groups gnomAD compares: African/African-American, 5.2%; 191 homozygotes.

Submissions (3):

GeneDx
Classification: Benign. Last evaluated: 2018-07-27. Review status: criteria provided, single submitter. Criteria: GeneDx Variant Classification Process June 2021. Collection method: clinical testing. Allele origin: germline. Affected: yes.

Illumina Laboratory Services, Illumina
Classification: Benign for Norman-Roberts syndrome. Last evaluated: 2018-01-13. Review status: criteria provided, single submitter. Criteria: ICSL Variant Classification Criteria 13 December 2019. Collection method: clinical testing. Allele origin: germline.
Comment: This variant was observed in the ICSL laboratory as part of a predisposition screen in an ostensibly healthy population. It had not been previously curated by ICSL or reported in the Human Gene Mutation Database (HGMD: prior to June 1st, 2018), and was therefore a candidate for classification through an automated scoring system. Utilizing variant allele frequency, disease prevalence and penetrance estimates, and inheritance mode, an automated score was calculated to assess if this variant is too frequent to cause the disease. Based on the score and internal cut-off values, a variant classified as benign is not then subjected to further curation. The score for this variant resulted in a classification of benign for this disease.

Breakthrough Genomics
Classification: Benign. Review status: criteria provided, single submitter. Criteria: ACMG Guidelines, 2015. Collection method: not provided. Allele origin: germline. Inheritance: Autosomal recessive inheritance. Affected: yes.